The following is an entry in ClinVar:

NM_002485.5(NBN):c.2000_2001del (p.Ser667fs)

Gene: NBN (nibrin; minus strand). Cytogenetic location: 8q21.3.
Variant type: Microsatellite.
Coding change: c.2000_2001del on transcript NM_002485.5 (MANE Select); coding-DNA positions 2000 to 2001, 2 bases deleted (CT; older notation c.2000_2001delCT).
Protein change: p.Ser667fs; shifts the reading frame from serine 667.
Molecular consequence: frameshift variant.
Genome position (GRCh38, 1-based): chr8:89,946,209-89,946,210, AG deleted on the plus strand (CT on the coding strand, the reverse complement: NBN is on the minus strand); deleting any 2 consecutive bases within chr8:89,946,209-89,946,212 gives the same sequence; the c. name uses the placement nearest the transcript's 3' end. VCF-style (leftmost placement, unchanged base first): chr8-89946208-TAG-T. GRCh37 (hg19) VCF-style: chr8-90958436-TAG-T.
Other names: c.2000_2001delCT (NM_002485.4); c.1754_1755del, p.Ser585fs (NM_001024688.3); short protein forms S585fs, S667fs.
Identifiers: ClinVar variation 370899 (VCV000370899.6), dbSNP rs1057516852, ClinGen allele CA16041203.
Genomic context (GRCh38, chr8:89,946,208, plus strand): 5'-ATTTCTTGAAATTTTTTAGTTGACCATAATCATCATTTATGCCAGATGGATTTCTGGAAG[TAG>T]AGTTTTTAATCACCAGTGATCTAAATTCAGTCAATAACAGCTTTTTTGGAAGCATCTCAC-3'

ClinVar aggregate classification (germline): Pathogenic. Review status: criteria provided, single submitter (1 of 4 stars). 2 submissions from 2 submitters: Pathogenic (1). 1 of the submissions does not count toward it. Last evaluated 2023-08-11.

Conditions:
Microcephaly, normal intelligence and immunodeficiency (NBS). Also called: Microcephaly with normal intelligence immunodeficiency and lymphoreticular malignancies; Nonsyndromal microcephaly autosomal recessive with normal intelligence; Seemanova syndrome 2; SEEMANOVA SYNDROME II; Ataxia telangiectasia variant V1; Immunodeficiency, microcephaly with normal intelligence. Identifiers: Orphanet 647, MedGen C0398791, MONDO:0009623, OMIM 251260.

Submissions (2):

Labcorp Genetics (formerly Invitae), Labcorp
Classification: Pathogenic for Microcephaly, normal intelligence and immunodeficiency. Last evaluated: 2023-08-11. Review status: criteria provided, single submitter. Criteria: Invitae Variant Classification Sherloc (09022015). Collection method: clinical testing. Allele origin: germline.
Comment: For these reasons, this variant has been classified as Pathogenic. ClinVar contains an entry for this variant (Variation ID: 370899). This variant has not been reported in the literature in individuals affected with NBN-related conditions. This variant is not present in population databases (gnomAD no frequency). This sequence change creates a premature translational stop signal (p.Ser667Tyrfs*10) in the NBN gene. It is expected to result in an absent or disrupted protein product. Loss-of-function variants in NBN are known to be pathogenic (PMID: 9590180, 16415040).

Counsyl
Classification: Likely pathogenic for Microcephaly, normal intelligence and immunodeficiency. Last evaluated: 2016-05-09. Review status: no assertion criteria provided. Collection method: clinical testing. Allele origin: unknown. Not counted in ClinVar's aggregate classification.

Literature cited by the submitters: PubMed 9590180 (cited by Labcorp Genetics (formerly Invitae), Labcorp); PubMed 16415040 (cited by Labcorp Genetics (formerly Invitae), Labcorp).